The following is an entry in ClinVar:

ClinVar aggregate classification (germline): Likely pathogenic (1 of 4 stars; one submission).

Conditions:
Inborn genetic diseases. Identifiers: MedGen C0950123, MeSH D030342.

Submission:

Ambry Genetics
Classification: Likely pathogenic for Inborn genetic diseases. Last evaluated: 2024-11-20. Review status: criteria provided, single submitter. Criteria: Ambry Variant Classification Scheme 2023. Collection method: clinical testing. Allele origin: germline.
Comment: The c.3540_3543delGGAT (p.M1180Ifs*12) alteration, located in exon 19 (coding exon 18) of the POGZ gene, consists of a deletion of 4 nucleotides from position 3540 to 3543, causing a translational frameshift with a predicted alternate stop codon after 12 amino acids. This alteration occurs at the 3' terminus of the POGZ gene, is not expected to trigger nonsense-mediated mRNA decay, and impacts the last 16% of the protein. However, premature stop codons are typically deleterious in nature, the impacted region is critical for protein function, and a significant portion of the protein is affected (Ambry internal data). This variant was not reported in population-based cohorts in the Genome Aggregation Database (gnomAD). Based on the available evidence, this alteration is classified as likely pathogenic.

NM_015100.4(POGZ):c.3540_3543del (p.Met1180fs)

Gene: POGZ (pogo transposable element derived with ZNF domain; minus strand). Cytogenetic location: 1q21.3.
Variant type: Deletion.
Coding change: c.3540_3543del on transcript NM_015100.4 (MANE Select); coding-DNA positions 3540 to 3543, 4 bases deleted (GGAT; older notation c.3540_3543delGGAT).
Protein change: p.Met1180fs; shifts the reading frame from methionine 1180.
Molecular consequence: frameshift variant.
Genome position (GRCh38, 1-based): chr1:151,405,492-151,405,495, ATCC deleted on the plus strand (GGAT on the coding strand, the reverse complement: POGZ is on the minus strand); deleting any 4 consecutive bases within chr1:151,405,492-151,405,498 gives the same sequence; the c. name uses the placement nearest the transcript's 3' end. VCF-style (leftmost placement, unchanged base first): chr1-151405491-GATCC-G. GRCh37 (hg19) VCF-style: chr1-151377967-GATCC-G.
Other names: c.3513_3516del, p.Met1171fs (NM_001194937.2); c.3354_3357del, p.Met1118fs (NM_001194938.2); c.3561_3564del, p.Met1187fs (NM_001410860.1); c.3255_3258del, p.Met1085fs (NM_145796.4); c.3381_3384del, p.Met1127fs (NM_207171.2); short protein forms M1085fs, M1180fs, M1118fs, M1127fs, M1187fs, M1171fs.
Identifiers: ClinVar variation 3421890 (VCV003421890.1).
Genomic context (GRCh38, chr1:151,405,491, plus strand): 5'-CATCACTGTAGCCACTCTCCTTTGCCTCTAGCAATATGGAGTCTGGCATGTTAGCAGGCT[GATCC>G]ATCTGCCCTCTGTAGAAAACCAGGGTGGGAAGGACAGTGCCATCTGCCAGAATGGCTAGG-3'